The following is an entry in ClinVar:

ClinVar aggregate classification (germline): Uncertain significance (1 of 4 stars; one submission).

Conditions:
Hereditary cancer-predisposing syndrome. Also called: Hereditary Cancer Syndrome; Hereditary neoplastic syndrome; Neoplastic Syndromes, Hereditary; Tumor predisposition. Identifiers: Orphanet 140162, MedGen C0027672, MeSH D009386, MONDO:0015356.

Submission:

Ambry Genetics
Classification: Uncertain significance for Hereditary cancer-predisposing syndrome. Last evaluated: 2025-10-28. Review status: criteria provided, single submitter. Criteria: Ambry Variant Classification Scheme 2023. Collection method: clinical testing. Allele origin: germline.
Comment: The p.S31C variant (also known as c.92C>G), located in coding exon 1 of the ALK gene, results from a C to G substitution at nucleotide position 92. The serine at codon 31 is replaced by cysteine, an amino acid with dissimilar properties. This amino acid position is conserved. In addition, this alteration is predicted to be tolerated by in silico analysis. Since supporting evidence is limited at this time, the clinical significance of this alteration remains unclear.

NM_004304.5(ALK):c.92C>G (p.Ser31Cys)

Gene: ALK (ALK receptor tyrosine kinase; minus strand). Cytogenetic location: 2p23.1.
Variant type: single nucleotide variant.
Coding change: c.92C>G on transcript NM_004304.5 (MANE Select); coding-DNA position 92, C replaced by G.
Protein change: p.Ser31Cys; replaces serine 31 with cysteine.
Molecular consequence: missense variant.
Genome position (GRCh38, 1-based): chr2:29,920,568, G>C on the plus strand (C>G on the coding strand, the complement: ALK is on the minus strand). VCF-style: chr2-29920568-G-C. GRCh37 (hg19) VCF-style: chr2-30143434-G-C.
Other names: short protein forms S31C.
Identifiers: ClinVar variation 1766480 (VCV001766480.3), dbSNP rs2148443930, ClinGen allele CA346590706.
Genomic context (GRCh38, chr2:29,920,568, plus strand): 5'-CTCTGCAGGCGCGAGTAGCTGAGTGGCTCCCGGGGCTGCAGCGGCGGCCCCGCAGCTGGG[G>C]AGCCCGCGCGCTGGCCGGTCCCCATCCCGGAGCCCACAGCTGCCGTGGAAAGCAGCAGCG-3'
Protein context (NP_004295.2, residues 21-41): SGMGTGQRAG[Ser31Cys]PAAGPPLQPR